The following is an entry in ClinVar:

ClinVar aggregate classification (germline): Pathogenic (1 of 4 stars; one submission).

Submission:

Illumina Laboratory Services, Illumina
Classification: Pathogenic. Last evaluated: 2023-09-01. Review status: criteria provided, single submitter. Criteria: ICSL CNVClassificationCriteria Aug2020. Collection method: clinical testing. Allele origin: unknown.
Comment: This CNV is a 1.4 Mb deletion of 17q12 on chromosome 17 (seq[GRCh37]del(17)(q12),;NC_000017.10:g.34814816_36249107del). The CNV encompasses the following protein coding genes: AATF, ACACA, C17orf78, DDX52, DHRS11, DUSP14, GGNBP2, HNF1B, LHX1, MRM1, MYO19, PIGW, SYNRG, TADA2A, and ZNHIT3. The region of the CNV is flanked by segmental duplications that mediate recurrent breakpoints, and overlaps the well described 17q12 recurrent deletion syndrome (PMID: 27929632). This CNV has not been reported in controls. Based on the available evidence, this CNV is classified as pathogenic.

Single allele

Genes: AATF (apoptosis antagonizing transcription factor; plus strand), ACACA (acetyl-CoA carboxylase alpha; minus strand), C17orf78 (chromosome 17 open reading frame 78; plus strand), DDX52 (DExD-box helicase 52; minus strand), DHRS11 (dehydrogenase/reductase 11; plus strand) and 10 more. Cytogenetic location: 17q12.
Variant type: Deletion.
Identifiers: ClinVar variation 2671580 (VCV002671580.1).